The following is an entry in ClinVar:

NM_000742.4(CHRNA2):c.688G>A (p.Glu230Lys)

Gene: CHRNA2 (cholinergic receptor nicotinic alpha 2 subunit; minus strand). Cytogenetic location: 8p21.2.
Variant type: single nucleotide variant.
Coding change: c.688G>A on transcript NM_000742.4 (MANE Select); coding-DNA position 688, G replaced by A.
Protein change: p.Glu230Lys; replaces glutamic acid 230 with lysine.
Molecular consequence: missense variant.
Genome position (GRCh38, 1-based): chr8:27,463,755, C>T on the plus strand (G>A on the coding strand, the complement: CHRNA2 is on the minus strand). VCF-style: chr8-27463755-C-T. GRCh37 (hg19) VCF-style: chr8-27321272-C-T.
Other names: c.643G>A, p.Glu215Lys (NM_001282455.2); c.211G>A, p.Glu71Lys (NM_001347705.2, NM_001347706.2); c.94G>A, p.Glu32Lys (NM_001347707.2, NM_001347708.2); short protein forms E32K, E215K, E71K, E230K.
Identifiers: ClinVar variation 941750 (VCV000941750.6), dbSNP rs747493891, ClinGen allele CA4689609.

ClinVar aggregate classification (germline): Uncertain significance (1 of 4 stars; one submission).

Conditions:
Familial sleep-related hypermotor epilepsy. Also called: Autosomal Dominant Sleep-Related Hypermotor (Hyperkinetic) Epilepsy. Identifiers: Orphanet 98784, MedGen C3696898, MONDO:0000030.

Allele frequency attached by ClinVar (database versions not stated): gnomAD exomes 0.00001 and 0.00002; ExAC 0.00002.
gnomAD v4.1: 7 of 1,614,064 alleles (0.00043%); highest among the groups gnomAD compares: South Asian, 0.0044%; no homozygotes.

Submission:

Labcorp Genetics (formerly Invitae), Labcorp
Classification: Uncertain significance. Last evaluated: 2024-02-21. Review status: criteria provided, single submitter. Criteria: Invitae Variant Classification Sherloc (09022015). Collection method: clinical testing. Allele origin: germline.
Comment: This sequence change replaces glutamic acid, which is acidic and polar, with lysine, which is basic and polar, at codon 230 of the CHRNA2 protein (p.Glu230Lys). This variant is present in population databases (rs747493891, gnomAD 0.01%). This variant has not been reported in the literature in individuals affected with CHRNA2-related conditions. ClinVar contains an entry for this variant (Variation ID: 941750). Advanced modeling of protein sequence and biophysical properties (such as structural, functional, and spatial information, amino acid conservation, physicochemical variation, residue mobility, and thermodynamic stability) performed at Invitae indicates that this missense variant is expected to disrupt CHRNA2 protein function with a positive predictive value of 80%. In summary, the available evidence is currently insufficient to determine the role of this variant in disease. Therefore, it has been classified as a Variant of Uncertain Significance.